The following is an entry in ClinVar:

ClinVar aggregate classification (germline): Uncertain significance (1 of 4 stars; one submission).

gnomAD v4.1: 5 of 1,613,060 alleles (0.00031%); highest among the groups gnomAD compares: Admixed American, 0.0033%; no homozygotes.

Submission:

Dasa
Classification: Uncertain significance. Last evaluated: 2024-10-02. Review status: criteria provided, single submitter. Criteria: DASA Assertion Criteria. Collection method: clinical testing. Allele origin: germline.
Comment: NM_021096.4(CACNA1I):c.4367G>T (p.Arg1456Leu) is a missense variant that results in the substitution of arginine with leucine. This variant is rare in population databases. Computational prediction algorithms are consistent with a deleterious effect. The currently available literature and clinical evidence are not sufficient to establish a definitive association between this variant and the reported condition. Therefore, this variant is classified as a variant of uncertain significance.

NM_021096.4(CACNA1I):c.4367G>T (p.Arg1456Leu)

Gene: CACNA1I (calcium voltage-gated channel subunit alpha1 I; plus strand). Cytogenetic location: 22q13.1.
Variant type: single nucleotide variant.
Coding change: c.4367G>T on transcript NM_021096.4 (MANE Select); coding-DNA position 4367, G replaced by T.
Protein change: p.Arg1456Leu; replaces arginine 1456 with leucine.
Molecular consequence: missense variant.
Genome position (GRCh38, 1-based): chr22:39,670,210, G>T. VCF-style: chr22-39670210-G-T. GRCh37 (hg19) VCF-style: chr22-40066215-G-T.
Other names: c.4262G>T, p.Arg1421Leu (NM_001003406.2); short protein forms R1421L, R1456L.
Identifiers: ClinVar variation 4883809 (VCV004883809.2).
Genomic context (GRCh38, chr22:39,670,210, plus strand): 5'-AGTGCCGGCAGCACCAGGAGGCTGAAGAGGCACGGCGGCGTGAGGAGAAGCGGCTGCGGC[G>T]CCTGGAGAAGAAGCGCCGGAGTGAGTGGGTGCCTGTGGAGGGCGTGGGCCACCCAGCTCT-3'
Protein context (NP_066919.2, residues 1446-1466): ARRREEKRLR[Arg1456Leu]LEKKRRKAQR